The following is an entry in ClinVar:

ClinVar aggregate classification (germline): Uncertain significance (1 of 4 stars; one submission).

Submission:

Labcorp Genetics (formerly Invitae), Labcorp
Classification: Uncertain significance. Last evaluated: 2021-12-29. Review status: criteria provided, single submitter. Criteria: Invitae Variant Classification Sherloc (09022015). Collection method: clinical testing. Allele origin: germline.
Comment: Algorithms developed to predict the effect of missense changes on protein structure and function are either unavailable or do not agree on the potential impact of this missense change (SIFT: "Tolerated"; PolyPhen-2: "Possibly Damaging"; Align-GVGD: "Class C0"). ClinVar contains an entry for this variant (Variation ID: 1008661). This variant has not been reported in the literature in individuals affected with SLC25A12-related conditions. This variant is present in population databases (no rsID available, gnomAD 0.007%). This sequence change replaces leucine, which is neutral and non-polar, with phenylalanine, which is neutral and non-polar, at codon 568 of the SLC25A12 protein (p.Leu568Phe). In summary, the available evidence is currently insufficient to determine the role of this variant in disease. Therefore, it has been classified as a Variant of Uncertain Significance.

NM_003705.5(SLC25A12):c.1702C>T (p.Leu568Phe)

Gene: SLC25A12 (solute carrier family 25 member 12; minus strand). Cytogenetic location: 2q31.1.
Variant type: single nucleotide variant.
Coding change: c.1702C>T on transcript NM_003705.5 (MANE Select); coding-DNA position 1702, C replaced by T.
Protein change: p.Leu568Phe; replaces leucine 568 with phenylalanine.
Molecular consequence: missense variant. On other transcripts: non-coding transcript variant (1).
Genome position (GRCh38, 1-based): chr2:171,787,831, G>A on the plus strand (C>T on the coding strand, the complement: SLC25A12 is on the minus strand). VCF-style: chr2-171787831-G-A. GRCh37 (hg19) VCF-style: chr2-172644341-G-A.
Other names: short protein forms L568F.
Identifiers: ClinVar variation 1008661 (VCV001008661.8), dbSNP rs1417635052, ClinGen allele CA349287791.